The following is an entry in ClinVar:

NM_018699.4(PRDM5):c.726C>T (p.Ser242=)

Gene: PRDM5 (PR/SET domain 5; minus strand). Cytogenetic location: 4q27.
Variant type: single nucleotide variant.
Coding change: c.726C>T on transcript NM_018699.4 (MANE Select); coding-DNA position 726, C replaced by T.
Protein change: p.Ser242=; no amino-acid change (serine 242 retained).
Molecular consequence: synonymous variant. On other transcripts: intron variant (3).
Genome position (GRCh38, 1-based): chr4:120,816,849, G>A on the plus strand (C>T on the coding strand, the complement: PRDM5 is on the minus strand). VCF-style: chr4-120816849-G-A. GRCh37 (hg19) VCF-style: chr4-121738004-G-A.
Other names: c.726C>T, p.Ser242= (NM_001379104.1); c.651-275C>T (NM_001300824.2, NM_001379106.1, NM_001300823.2); c.726C>T (NM_018699.3).
Identifiers: ClinVar variation 508441 (VCV000508441.7), dbSNP rs372141288, ClinGen allele CA3061313.

ClinVar aggregate classification (germline): Benign/Likely benign. Review status: criteria provided, multiple submitters, no conflicts (2 of 4 stars). 4 submissions from 4 submitters: Benign (1); Likely benign (2). 1 of the submissions does not count toward it. Last evaluated 2025-02-03.

Conditions:
PRDM5-related disorder. Also called: PRDM5-related condition.
Cardiovascular phenotype. Identifiers: MedGen CN230736.

Allele frequency attached by ClinVar (database versions not stated): gnomAD exomes 0.00010; ExAC 0.00011; gnomAD 0.00013 and 0.00016; TOPMed 0.00014; ESP Exome Variant Server 0.00015; 1000 Genomes Project 0.00040; 1000 Genomes Project 30x 0.00047.
gnomAD v4.1: 111 of 1,613,830 alleles (0.0069%); highest among the groups gnomAD compares: South Asian, 0.071%; 1 homozygote.

Submissions (4):

Labcorp Genetics (formerly Invitae), Labcorp
Classification: Benign. Last evaluated: 2025-02-03. Review status: criteria provided, single submitter. Criteria: Invitae Variant Classification Sherloc (09022015). Collection method: clinical testing. Allele origin: germline.

Ambry Genetics
Classification: Likely benign for Cardiovascular phenotype. Last evaluated: 2024-07-18. Review status: criteria provided, single submitter. Criteria: Ambry Variant Classification Scheme 2023. Collection method: clinical testing. Allele origin: germline.

GeneDx
Classification: Likely benign. Last evaluated: 2017-03-27. Review status: criteria provided, single submitter. Criteria: GeneDx Variant Classification (06012015). Collection method: clinical testing. Allele origin: germline. Affected: yes.
Comment: This variant is considered likely benign or benign based on one or more of the following criteria: it is a conservative change, it occurs at a poorly conserved position in the protein, it is predicted to be benign by multiple in silico algorithms, and/or has population frequency not consistent with disease.

PreventionGenetics, part of Exact Sciences
Classification: Likely benign for PRDM5-related condition. Last evaluated: 2023-10-03. Review status: no assertion criteria provided. Collection method: clinical testing. Allele origin: germline. Not counted in ClinVar's aggregate classification.
Comment: This variant is classified as likely benign based on ACMG/AMP sequence variant interpretation guidelines (Richards et al. 2015 PMID: 25741868, with internal and published modifications).